The following is an entry in ClinVar:

ClinVar aggregate classification (germline): Uncertain significance (1 of 4 stars; one submission).

Conditions:
Muscular dystrophy-dystroglycanopathy (congenital with impaired intellectual development), type B, 2. Also called: MUSCULAR DYSTROPHY, CONGENITAL, POMT2-RELATED; Muscular dystrophy-dystroglycanopathy (congenital with intellectual disability), type B2. Identifiers: MedGen C3150416, MONDO:0013160, OMIM 613156.
Muscular dystrophy-dystroglycanopathy (congenital with brain and eye anomalies), type A2. Also called: MUSCULAR DYSTROPHY-DYSTROGLYCANOPATHY (CONGENITAL WITH BRAIN AND EYE ANOMALIES), TYPE A, 2; WALKER-WARBURG SYNDROME OR MUSCLE-EYE-BRAIN DISEASE, POMT2-RELATED. Identifiers: Orphanet 588, Orphanet 899, MedGen C3150411, MONDO:0013154, OMIM 613150.
Autosomal recessive limb-girdle muscular dystrophy type 2N. Also called: MUSCULAR DYSTROPHY-DYSTROGLYCANOPATHY, LIMB-GIRDLE, POMT2-RELATED; Muscular dystrophy-dystroglycanopathy (limb-girdle), type C, 2. Identifiers: Orphanet 206559, MedGen C3150418, MONDO:0013162, OMIM 613158.

Submission:

Labcorp Genetics (formerly Invitae), Labcorp
Classification: Uncertain significance for Muscular dystrophy-dystroglycanopathy (congenital with impaired intellectual development), type B, 2; Muscular dystrophy-dystroglycanopathy (congenital with brain and eye anomalies), type A2; Autosomal recessive limb-girdle muscular dystrophy type 2N. Last evaluated: 2022-05-26. Review status: criteria provided, single submitter. Criteria: Invitae Variant Classification Sherloc (09022015). Collection method: clinical testing. Allele origin: germline.
Comment: In summary, the available evidence is currently insufficient to determine the role of this variant in disease. Therefore, it has been classified as a Variant of Uncertain Significance. Variants that disrupt the consensus splice site are a relatively common cause of aberrant splicing (PMID: 17576681, 9536098). Algorithms developed to predict the effect of sequence changes on RNA splicing suggest that this variant is not likely to affect RNA splicing. This variant has not been reported in the literature in individuals affected with POMT2-related conditions. This variant is not present in population databases (gnomAD no frequency). This sequence change falls in intron 7 of the POMT2 gene. It does not directly change the encoded amino acid sequence of the POMT2 protein. It affects a nucleotide within the consensus splice site.

Literature cited by the submitters: PubMed 17576681; PubMed 9536098.

NM_013382.7(POMT2):c.923+5A>G

Gene: POMT2 (protein O-mannosyltransferase 2; minus strand). Cytogenetic location: 14q24.3.
Variant type: single nucleotide variant.
Coding change: c.923+5A>G on transcript NM_013382.7 (MANE Select); 5 bases into the intron after coding-DNA position 923, A replaced by G.
Molecular consequence: intron variant.
Genome position (GRCh38, 1-based): chr14:77,299,450, T>C on the plus strand (A>G on the coding strand, the complement: POMT2 is on the minus strand). VCF-style: chr14-77299450-T-C. GRCh37 (hg19) VCF-style: chr14-77765793-T-C.
Identifiers: ClinVar variation 1998404 (VCV001998404.4), dbSNP rs2503266672, ClinGen allele CA2580088822.